The following is an entry in ClinVar:

NM_006514.4(SCN10A):c.760A>T (p.Ile254Phe)

Gene: SCN10A (sodium voltage-gated channel alpha subunit 10; minus strand). Cytogenetic location: 3p22.2.
Variant type: single nucleotide variant.
Coding change: c.760A>T on transcript NM_006514.4 (MANE Select); coding-DNA position 760, A replaced by T.
Protein change: p.Ile254Phe; replaces isoleucine 254 with phenylalanine.
Molecular consequence: missense variant.
Genome position (GRCh38, 1-based): chr3:38,761,315, T>A on the plus strand (A>T on the coding strand, the complement: SCN10A is on the minus strand). VCF-style: chr3-38761315-T-A. GRCh37 (hg19) VCF-style: chr3-38802806-T-A.
Other names: c.760A>T (NM_006514.2); c.760A>T, p.Ile254Phe (NM_001293306.2, NM_001293307.2); short protein forms I254F.
Identifiers: ClinVar variation 532085 (VCV000532085.5), dbSNP rs766143752, ClinGen allele CA352171733.
Genomic context (GRCh38, chr3:38,761,315, plus strand): 5'-TTTTGAGGTTGCCCTTGAAGAGTTGCAGCCCCACCAAGGCAAAAACACTTAGGCAGAAGA[T>A]GGTGAGGATGGTCACATCAGCCAGTTTCTTCACTGAGTGAATCAGGGCCCCCACAATGAC-3'
Protein context (NP_006505.4, residues 244-264): KKLADVTILT[Ile254Phe]FCLSVFALVG

ClinVar aggregate classification (germline): Uncertain significance. Review status: criteria provided, multiple submitters, no conflicts (2 of 4 stars). 2 submissions from 2 submitters: Uncertain significance (2). Last evaluated 2026-03-29.

Conditions:
Cardiovascular phenotype. Identifiers: MedGen CN230736.
Brugada syndrome. Also called: Sudden unexpected nocturnal death syndrome; Sudden Unexplained Nocturnal Death Syndrome (SUNDS); Sudden unexplained nocturnal death syndrome; Sudden Unexplained Death Syndrome. Identifiers: Orphanet 130, MedGen C1142166, MONDO:0015263.

Allele frequency attached by ClinVar (database versions not stated): TOPMed below 0.00001; gnomAD 0.00001.
gnomAD v4.1: 34 of 1,613,850 alleles (0.0021%); highest among the groups gnomAD compares: Non-Finnish European, 0.0028%; no homozygotes.

Submissions (2):

Ambry Genetics
Classification: Uncertain significance for Cardiovascular phenotype. Last evaluated: 2026-03-29. Review status: criteria provided, single submitter. Criteria: Ambry Variant Classification Scheme 2023. Collection method: clinical testing. Allele origin: germline.
Comment: The p.I254F variant (also known as c.760A>T), located in coding exon 6 of the SCN10A gene, results from an A to T substitution at nucleotide position 760. The isoleucine at codon 254 is replaced by phenylalanine, an amino acid with highly similar properties. This amino acid position is conserved. In addition, the in silico prediction for this alteration is inconclusive. Based on the available evidence, the clinical significance of this variant remains unclear.

Labcorp Genetics (formerly Invitae), Labcorp
Classification: Uncertain significance for Brugada syndrome. Last evaluated: 2025-07-30. Review status: criteria provided, single submitter. Criteria: Invitae Variant Classification Sherloc (09022015). Collection method: clinical testing. Allele origin: germline.
Comment: This sequence change replaces isoleucine, which is neutral and non-polar, with phenylalanine, which is neutral and non-polar, at codon 254 of the SCN10A protein (p.Ile254Phe). This variant is present in population databases (no rsID available, gnomAD 0.002%). This variant has not been reported in the literature in individuals affected with SCN10A-related conditions. ClinVar contains an entry for this variant (Variation ID: 532085). Invitae Evidence Modeling of protein sequence and biophysical properties (such as structural, functional, and spatial information, amino acid conservation, physicochemical variation, residue mobility, and thermodynamic stability) indicates that this missense variant is not expected to disrupt SCN10A protein function with a negative predictive value of 95%. In summary, the available evidence is currently insufficient to determine the role of this variant in disease. Therefore, it has been classified as a Variant of Uncertain Significance.